The following is an entry in ClinVar:

ClinVar aggregate classification (germline): Uncertain significance (1 of 4 stars; one submission).

Submission:

Labcorp Genetics (formerly Invitae), Labcorp
Classification: Uncertain significance. Last evaluated: 2025-01-23. Review status: criteria provided, single submitter. Criteria: Invitae Variant Classification Sherloc (09022015). Collection method: clinical testing. Allele origin: germline.
Comment: This sequence change creates a premature translational stop signal (p.Ile784Cysfs*11) in the TOP2B gene. It is expected to result in an absent or disrupted protein product. However, the current clinical and genetic evidence is not sufficient to establish whether loss-of-function variants in TOP2B cause disease. This variant is not present in population databases (gnomAD no frequency). This variant has not been reported in the literature in individuals affected with TOP2B-related conditions. ClinVar contains an entry for this variant (Variation ID: 2709980). In summary, the available evidence is currently insufficient to determine the role of this variant in disease. Therefore, it has been classified as a Variant of Uncertain Significance.

NM_001330700.2(TOP2B):c.2365_2366del (p.Ile789fs)

Gene: TOP2B (DNA topoisomerase II beta; minus strand). Cytogenetic location: 3p24.2.
Variant type: Deletion.
Coding change: c.2365_2366del on transcript NM_001330700.2 (MANE Select); coding-DNA positions 2365 to 2366, 2 bases deleted (AT; older notation c.2365_2366delAT).
Protein change: p.Ile789fs; shifts the reading frame from isoleucine 789.
Molecular consequence: frameshift variant.
Genome position (GRCh38, 1-based): chr3:25,624,426-25,624,427, AT deleted on the plus strand (AT on the coding strand, the reverse complement: TOP2B is on the minus strand); deleting any 2 consecutive bases within chr3:25,624,426-25,624,428 gives the same sequence; the c. name uses the placement nearest the transcript's 3' end. VCF-style (leftmost placement, unchanged base first): chr3-25624425-AAT-A. GRCh37 (hg19) VCF-style: chr3-25665916-AAT-A.
Other names: c.2350_2351del, p.Ile784fs (NM_001068.3); short protein forms I789fs, I784fs.
Identifiers: ClinVar variation 2709980 (VCV002709980.3), dbSNP rs2470337265, ClinGen allele CA2697550724.
Genomic context (GRCh38, chr3:25,624,425, plus strand): 5'-ACCAATAGGCTGAAGCAAGTTAATGTTGTTACTTCCCACAAAGTTCTGAGCCAAATTCAC[AAT>A]AGTCATCATCAATGCTTGCTATACAACAGAAGAAGGCAGAACATAACATTAATATTCTAA-3'